The following is an entry in ClinVar:

NM_000465.4(BARD1):c.1126T>G (p.Ser376Ala)

Gene: BARD1 (BRCA1 associated RING domain 1; minus strand). Cytogenetic location: 2q35.
Variant type: single nucleotide variant.
Coding change: c.1126T>G on transcript NM_000465.4 (MANE Select); coding-DNA position 1126, T replaced by G.
Protein change: p.Ser376Ala; replaces serine 376 with alanine.
Molecular consequence: missense variant. On other transcripts: non-coding transcript variant (2), intron variant (3).
Genome position (GRCh38, 1-based): chr2:214,780,748, A>C on the plus strand (T>G on the coding strand, the complement: BARD1 is on the minus strand). VCF-style: chr2-214780748-A-C. GRCh37 (hg19) VCF-style: chr2-215645472-A-C.
Other names: c.1069T>G, p.Ser357Ala (NM_001282543.2); c.159-28193T>G (NM_001282548.2); c.215+16313T>G (NM_001282545.2); c.364+11549T>G (NM_001282549.2); short protein forms S376A, S357A.
Identifiers: ClinVar variation 406734 (VCV000406734.21), dbSNP rs1060501279, ClinGen allele CA16610739.

ClinVar aggregate classification (germline): Conflicting classifications of pathogenicity. Review status: criteria provided, conflicting classifications (1 of 4 stars). 5 submissions from 5 submitters: Uncertain significance (3); Likely benign (1). 1 of the submissions does not count toward it. Last evaluated 2026-01-02.

Conditions:
Hereditary cancer-predisposing syndrome. Also called: Hereditary Cancer Syndrome; Hereditary neoplastic syndrome; Neoplastic Syndromes, Hereditary; Tumor predisposition. Identifiers: Orphanet 140162, MedGen C0027672, MeSH D009386, MONDO:0015356.
Familial cancer of breast. Also called: BREAST CANCER, FAMILIAL; Hereditary breast cancer; hereditary breast carcinoma. Identifiers: Orphanet 227535, MedGen C0346153, MONDO:0016419, OMIM 114480. Disease mechanism: loss of function.

gnomAD v4.1: 1 of 1,614,042 alleles (0.000062%); highest among the groups gnomAD compares: Non-Finnish European, 0.000085%; no homozygotes.

Submissions (5):

Labcorp Genetics (formerly Invitae), Labcorp
Classification: Uncertain significance for Familial cancer of breast. Last evaluated: 2026-01-02. Review status: criteria provided, single submitter. Criteria: Invitae Variant Classification Sherloc (09022015). Collection method: clinical testing. Allele origin: germline.
Comment: This sequence change replaces serine, which is neutral and polar, with alanine, which is neutral and non-polar, at codon 376 of the BARD1 protein (p.Ser376Ala). This variant is not present in population databases (gnomAD no frequency). This variant has not been reported in the literature in individuals affected with BARD1-related conditions. ClinVar contains an entry for this variant (Variation ID: 406734). An algorithm developed to predict the effect of missense changes on protein structure and function (PolyPhen-2) suggests that this variant is likely to be tolerated. In summary, the available evidence is currently insufficient to determine the role of this variant in disease. Therefore, it has been classified as a Variant of Uncertain Significance.

Color Diagnostics, LLC DBA Color Health
Classification: Uncertain significance for Hereditary cancer-predisposing syndrome. Last evaluated: 2024-03-06. Review status: criteria provided, single submitter. Criteria: ACMG Guidelines, 2015. Collection method: clinical testing. Allele origin: germline.
Comment: This missense variant replaces serine with alanine at codon 376 of the BARD1 protein. Computational prediction suggests that this variant may not impact protein structure and function (internally defined REVEL score threshold <= 0.5, PMID: 27666373). To our knowledge, functional studies have not been reported for this variant. This variant has not been reported in individuals affected with hereditary cancer in the literature. This variant has not been identified in the general population by the Genome Aggregation Database (gnomAD). The available evidence is insufficient to determine the role of this variant in disease conclusively. Therefore, this variant is classified as a Variant of Uncertain Significance.

Ambry Genetics
Classification: Likely benign for Hereditary cancer-predisposing syndrome. Last evaluated: 2024-02-26. Review status: criteria provided, single submitter. Criteria: Ambry Variant Classification Scheme 2023. Collection method: clinical testing. Allele origin: germline.

Myriad Genetics, Inc.
Classification: Uncertain significance for Familial cancer of breast. Last evaluated: 2023-02-23. Review status: criteria provided, single submitter. Criteria: Myriad Autosomal Dominant, Autosomal Recessive and X-Linked Classification Criteria (2023). Collection method: clinical testing. Allele origin: unknown.
Comment: This variant is classified as a variant of uncertain significance as there is insufficient evidence to determine its impact on protein function and/or cancer risk.

Counsyl
Classification: Uncertain significance for Familial cancer of breast. Last evaluated: 2018-01-23. Review status: no assertion criteria provided. Collection method: clinical testing. Allele origin: unknown. Not counted in ClinVar's aggregate classification.